The following is an entry in ClinVar:

ClinVar aggregate classification (germline): Uncertain significance (1 of 4 stars; one submission).

Submission:

GeneDx
Classification: Uncertain significance. Last evaluated: 2024-09-23. Review status: criteria provided, single submitter. Criteria: GeneDx Variant Classification Process June 2021. Collection method: clinical testing. Allele origin: germline. Affected: yes.
Comment: Not observed at significant frequency in large population cohorts (gnomAD); In silico analysis supports that this missense variant has a deleterious effect on protein structure/function; Has not been previously published as pathogenic or benign to our knowledge

NM_182641.4(BPTF):c.8530G>A (p.Glu2844Lys)

Gene: BPTF (bromodomain PHD finger transcription factor; plus strand). Cytogenetic location: 17q24.2.
Variant type: single nucleotide variant.
Coding change: c.8530G>A on transcript NM_182641.4 (MANE Select); coding-DNA position 8530, G replaced by A.
Protein change: p.Glu2844Lys; replaces glutamic acid 2844 with lysine.
Molecular consequence: missense variant.
Genome position (GRCh38, 1-based): chr17:67,966,647, G>A. VCF-style: chr17-67966647-G-A. GRCh37 (hg19) VCF-style: chr17-65962763-G-A.
Other names: c.8479G>A, p.Glu2827Lys (NM_004459.7); short protein forms E2827K, E2844K.
Identifiers: ClinVar variation 3774304 (VCV003774304.1).